The following is an entry in ClinVar:

ClinVar aggregate classification (germline): Uncertain significance (1 of 4 stars; one submission).

Submission:

GeneDx
Classification: Uncertain significance. Last evaluated: 2025-05-13. Review status: criteria provided, single submitter. Criteria: GeneDx Variant Classification Process June 2021. Collection method: clinical testing. Allele origin: germline. Affected: yes.
Comment: Not observed at significant frequency in large population cohorts (gnomAD); In silico analysis supports that this missense variant has a deleterious effect on protein structure/function; Has not been previously published as pathogenic or benign to our knowledge

NM_004606.5(TAF1):c.2456G>A (p.Ser819Asn)

Gene: TAF1 (TATA-box binding protein associated factor 1; plus strand). Cytogenetic location: Xq13.1.
Variant type: single nucleotide variant.
Coding change: c.2456G>A on transcript NM_004606.5 (MANE Select); coding-DNA position 2456, G replaced by A.
Protein change: p.Ser819Asn; replaces serine 819 with asparagine.
Molecular consequence: missense variant. On other transcripts: non-coding transcript variant (9).
Genome position (GRCh38, 1-based): chrX:71,388,265, G>A. VCF-style: chrX-71388265-G-A. GRCh37 (hg19) VCF-style: chrX-70608115-G-A.
Other names: c.2456G>A, p.Ser819Asn (NM_001286074.2, NM_001440852.1, NM_001440853.1); c.2393G>A, p.Ser798Asn (NM_001440854.1, NM_138923.4); short protein forms S798N, S819N.
Identifiers: ClinVar variation 4529740 (VCV004529740.1).
Genomic context (GRCh38, chrX:71,388,265, plus strand): 5'-GCCAAATAAAATACACTTGGTTTGTTGGGCAGGTTTTTATTTACCGCCTTTTCTGGAAAA[G>A]TAAAGATCGGCCACGGAGGATACGAATGGAAGATATAAAAAAAGCCTTTCCTTCCCATTC-3'
Protein context (NP_004597.3, residues 809-829): QVFIYRLFWK[Ser819Asn]KDRPRRIRME